The following is an entry in ClinVar:

ClinVar aggregate classification (germline): Conflicting classifications of pathogenicity. Review status: criteria provided, conflicting classifications (1 of 4 stars). 4 submissions from 4 submitters: Uncertain significance (3); Likely benign (1). Last evaluated 2026-05-11.

Conditions:
Dilated cardiomyopathy 1CC (CMD1CC). Identifiers: Orphanet 154, MedGen C2751084, MONDO:0013147, OMIM 613122.
Hypertrophic cardiomyopathy 20. Identifiers: MedGen C3151267, MONDO:0013477, OMIM 613876.
Cardiovascular phenotype. Identifiers: MedGen CN230736.

Submissions (4):

Women's Health and Genetics/Laboratory Corporation of America, LabCorp
Classification: Uncertain significance. Last evaluated: 2026-05-11. Review status: criteria provided, single submitter. Criteria: LabCorp Variant Classification Summary - May 2015. Collection method: clinical testing. Allele origin: germline.
Comment: Variant summary: NEXN c.7_9delGAT (p.Asp3del) results in an in-frame deletion that is predicted to remove one amino acid from the encoded protein. The variant allele was found at a frequency of 2e-05 in 247444 control chromosomes. The available data on variant occurrences in the general population are insufficient to allow any conclusion about variant significance. c.7_9delGAT has been observed in an individual affected with Hypertrophic Cardiomyopathy (Perotto_2025). This report does not provide unequivocal conclusions about the association of the variant with the disease. To our knowledge, no experimental evidence demonstrating an impact on protein function has been reported. The following publication has been ascertained in the context of this evaluation (PMID: 40680702). ClinVar contains an entry for this variant (Variation ID: 518850). Based on the evidence outlined above, the variant was classified as uncertain significance.

Blueprint Genetics
Classification: Likely benign. Last evaluated: 2024-09-03. Review status: criteria provided, single submitter. Criteria: ACMG Guidelines, 2015. Collection method: clinical testing. Allele origin: germline.

Ambry Genetics
Classification: Uncertain significance for Cardiovascular phenotype. Last evaluated: 2023-10-25. Review status: criteria provided, single submitter. Criteria: Ambry Variant Classification Scheme 2023. Collection method: clinical testing. Allele origin: germline.
Comment: The c.7_9delGAT variant (also known as p.D3del) is located in coding exon 1 of the NEXN gene. This variant results from an in-frame GAT deletion at nucleotide positions 7 to 9. This results in the in-frame deletion of an aspartic acid at codon 3. This amino acid position is highly conserved in available vertebrate species. In addition, the in silico prediction for this alteration is inconclusive (Choi Y et al. PLoS ONE. 2012; 7(10):e46688). Since supporting evidence is limited at this time, the clinical significance of this alteration remains unclear.

Labcorp Genetics (formerly Invitae), Labcorp
Classification: Uncertain significance for Dilated cardiomyopathy 1CC; Hypertrophic cardiomyopathy 20. Last evaluated: 2021-11-08. Review status: criteria provided, single submitter. Criteria: Invitae Variant Classification Sherloc (09022015). Collection method: clinical testing. Allele origin: germline.
Comment: This variant, c.7_9del, results in the deletion of 1 amino acid(s) of the NEXN protein (p.Asp3del), but otherwise preserves the integrity of the reading frame. This variant is present in population databases (rs760463744, gnomAD 0.004%). This variant has not been reported in the literature in individuals affected with NEXN-related conditions. ClinVar contains an entry for this variant (Variation ID: 518850). Experimental studies and prediction algorithms are not available or were not evaluated, and the functional significance of this variant is currently unknown. In summary, the available evidence is currently insufficient to determine the role of this variant in disease. Therefore, it has been classified as a Variant of Uncertain Significance.

Literature cited by the submitters: PubMed 40680702 (cited by Women's Health and Genetics/Laboratory Corporation of America, LabCorp).

NM_144573.4(NEXN):c.7_9del (p.Asp3del)

Gene: NEXN (nexilin F-actin binding protein; plus strand). Cytogenetic location: 1p31.1.
Variant type: Deletion.
Coding change: c.7_9del on transcript NM_144573.4 (MANE Select); coding-DNA positions 7 to 9, 3 bases deleted (GAT; older notation c.7_9delGAT).
Protein change: p.Asp3del; deletes aspartic acid 3.
Molecular consequence: inframe deletion.
Genome position (GRCh38, 1-based): chr1:77,916,113-77,916,115, GAT deleted; deleting any 3 consecutive bases within chr1:77,916,111-77,916,115 gives the same sequence; the c. name uses the placement nearest the transcript's 3' end. VCF-style (leftmost placement, unchanged base first): chr1-77916110-AATG-A. GRCh37 (hg19) VCF-style: chr1-78381795-AATG-A.
Other names: c.7_9delGAT (NM_144573.3, NM_144573.4); c.7_9del, p.Asp3del (NM_001172309.2); short protein forms D3del.
Identifiers: ClinVar variation 518850 (VCV000518850.10), dbSNP rs760463744, ClinGen allele CA918538.
Genomic context (GRCh38, chr1:77,916,110, plus strand): 5'-TTCAGGTGCAAATATATACAGAGCTTCATAATCAGCCCAAGACCACATAGAGCAAACATG[AATG>A]ATATTTCCCAAAAGGCTGAGGTAAGTCTCAAAAGTAAAAATAAAAATAAAAGAGGGAAAT-3'